The following is an entry in ClinVar:

NM_005045.4(RELN):c.7108G>A (p.Val2370Ile)

Gene: RELN (reelin; minus strand). Cytogenetic location: 7q22.1.
Variant type: single nucleotide variant.
Coding change: c.7108G>A on transcript NM_005045.4 (MANE Select); coding-DNA position 7108, G replaced by A.
Protein change: p.Val2370Ile; replaces valine 2370 with isoleucine.
Molecular consequence: missense variant.
Genome position (GRCh38, 1-based): chr7:103,539,150, C>T on the plus strand (G>A on the coding strand, the complement: RELN is on the minus strand). VCF-style: chr7-103539150-C-T. GRCh37 (hg19) VCF-style: chr7-103179597-C-T.
Other names: c.7108G>A, p.Val2370Ile (NM_173054.3); short protein forms V2370I.
Identifiers: ClinVar variation 810161 (VCV000810161.49), dbSNP rs752238353, ClinGen allele CA4420812.

ClinVar aggregate classification (germline): Conflicting classifications of pathogenicity. Review status: criteria provided, conflicting classifications (1 of 4 stars). 2 submissions from 2 submitters: Uncertain significance (1); Likely benign (1). Last evaluated 2024-02-05.

Conditions:
Norman-Roberts syndrome (LIS2). Also called: Lissencephaly 2 (Norman-Roberts type). Identifiers: Orphanet 89844, MedGen C0796089, MONDO:0009760, OMIM 257320.
Familial temporal lobe epilepsy 7. Identifiers: Orphanet 101046, MedGen C4225327, MONDO:0014639, OMIM 616436.

Allele frequency attached by ClinVar (database versions not stated): gnomAD 0.00002 and 0.00001; gnomAD exomes 0.00002 and 0.00004; TOPMed 0.00003; ExAC 0.00004.
gnomAD v4.1: 39 of 1,614,218 alleles (0.0024%); highest among the groups gnomAD compares: South Asian, 0.0033%; no homozygotes.

Submissions (2):

Labcorp Genetics (formerly Invitae), Labcorp
Classification: Uncertain significance for Familial temporal lobe epilepsy 7; Norman-Roberts syndrome. Last evaluated: 2024-02-05. Review status: criteria provided, single submitter. Criteria: Invitae Variant Classification Sherloc (09022015). Collection method: clinical testing. Allele origin: germline.
Comment: This sequence change replaces valine, which is neutral and non-polar, with isoleucine, which is neutral and non-polar, at codon 2370 of the RELN protein (p.Val2370Ile). This variant is present in population databases (rs752238353, gnomAD 0.007%). This variant has not been reported in the literature in individuals affected with RELN-related conditions. ClinVar contains an entry for this variant (Variation ID: 810161). Advanced modeling of protein sequence and biophysical properties (such as structural, functional, and spatial information, amino acid conservation, physicochemical variation, residue mobility, and thermodynamic stability) performed at Invitae indicates that this missense variant is not expected to disrupt RELN protein function with a negative predictive value of 80%. In summary, the available evidence is currently insufficient to determine the role of this variant in disease. Therefore, it has been classified as a Variant of Uncertain Significance.

CeGaT Center for Human Genetics Tuebingen
Classification: Likely benign. Last evaluated: 2023-12-01. Review status: criteria provided, single submitter. Criteria: CeGaT Center For Human Genetics Tuebingen Variant Classification Criteria Version 2. Collection method: clinical testing. Allele origin: germline. Affected: yes. Observed: 2 variant alleles.
Comment: RELN: BP4